The following is an entry in ClinVar:

ClinVar aggregate classification (germline): Uncertain significance (0 of 4 stars; one submission).

Conditions:
ITGA3-related disorder. Also called: ITGA3-related condition.

gnomAD v4.1: 6 of 1,614,244 alleles (0.00037%); highest among the groups gnomAD compares: South Asian, 0.0066%; no homozygotes.

Submission:

PreventionGenetics, part of Exact Sciences
Classification: Uncertain significance for ITGA3-related condition. Last evaluated: 2024-05-01. Review status: no assertion criteria provided. Collection method: clinical testing. Allele origin: germline.
Comment: The ITGA3 c.1516C>A variant is predicted to result in the amino acid substitution p.Pro506Thr. To our knowledge, this variant has not been reported in the literature. This variant is reported in 0.0033% of alleles in individuals of South Asian descent in gnomAD. At this time, the clinical significance of this variant is uncertain due to the absence of conclusive functional and genetic evidence.

NM_002204.4(ITGA3):c.1516C>A (p.Pro506Thr)

Gene: ITGA3 (integrin subunit alpha 3; plus strand). Cytogenetic location: 17q21.33.
Variant type: single nucleotide variant.
Coding change: c.1516C>A on transcript NM_002204.4 (MANE Select); coding-DNA position 1516, C replaced by A.
Protein change: p.Pro506Thr; replaces proline 506 with threonine.
Molecular consequence: missense variant.
Genome position (GRCh38, 1-based): chr17:50,075,505, C>A. VCF-style: chr17-50075505-C-A. GRCh37 (hg19) VCF-style: chr17-48152869-C-A.
Other names: short protein forms P506T.
Identifiers: ClinVar variation 3354191 (VCV003354191.1).
Genomic context (GRCh38, chr17:50,075,505, plus strand): 5'-CATCCCTCCAACAGTGTGCAAGTGGAGCTGTGCTTTGCTTACAACCAGAGTGCCGGGAAC[C>A]CCAACTACAGGCGAAACATCAGTGAGTGCTGGGGTGCAGCGTAAAAGGGGTACGCTCCCC-3'
Protein context (NP_002195.1, residues 496-516): CFAYNQSAGN[Pro506Thr]NYRRNITLAY